The following is an entry in ClinVar:

NM_001267550.2(TTN):c.87761T>C (p.Ile29254Thr)

Genes: TTN (titin; minus strand), TTN-AS1 (TTN antisense RNA 1; plus strand). Cytogenetic location: 2q31.2.
Variant type: single nucleotide variant.
Coding change: c.87761T>C on transcript NM_001267550.2 (MANE Select); coding-DNA position 87761, T replaced by C.
Protein change: p.Ile29254Thr; replaces isoleucine 29254 with threonine.
Molecular consequence: missense variant.
Genome position (GRCh38, 1-based): chr2:178,557,501, A>G on the plus strand (T>C on the coding strand, the complement: TTN is on the minus strand). VCF-style: chr2-178557501-A-G. GRCh37 (hg19) VCF-style: chr2-179422228-A-G.
Other names: c.82838T>C, p.Ile27613Thr (NM_001256850.1); c.60566T>C, p.Ile20189Thr (NM_003319.4); c.80057T>C, p.Ile26686Thr (NM_133378.4); c.60941T>C, p.Ile20314Thr (NM_133432.3); c.61142T>C, p.Ile20381Thr (NM_133437.4); short protein forms I20189T, I20314T, I20381T, I26686T, I27613T, I29254T.
Identifiers: ClinVar variation 1199494 (VCV001199494.8), dbSNP rs868383233, ClinGen allele CA60981523.

ClinVar aggregate classification (germline): Uncertain significance. Review status: criteria provided, multiple submitters, no conflicts (2 of 4 stars). 3 submissions from 3 submitters: Uncertain significance (3). Last evaluated 2021-05-25.

Conditions:
Cardiomyopathy (CMYO). Also called: Cardiomyopathies. Identifiers: Orphanet 167848, MedGen C0878544, MONDO:0004994, HP:0001638. Inheritance: Various modes of inheritance.

Allele frequency attached by ClinVar (database versions not stated): gnomAD 0.00001; gnomAD exomes 0.00001; TOPMed 0.00002.
gnomAD v4.1: 13 of 1,613,826 alleles (0.00081%); highest among the groups gnomAD compares: Middle Eastern, 0.066%; no homozygotes.

Submissions (3):

Revvity Omics, Revvity
Classification: Uncertain significance. Last evaluated: 2021-05-25. Review status: criteria provided, single submitter. Criteria: ACMG Guidelines, 2015. Collection method: clinical testing. Allele origin: germline.

CHEO Genetics Diagnostic Laboratory, Children's Hospital of Eastern Ontario
Classification: Uncertain significance for Cardiomyopathy. Last evaluated: 2020-12-09. Review status: criteria provided, single submitter. Criteria: ACMG Guidelines, 2015. Collection method: clinical testing. Allele origin: germline.

GeneDx
Classification: Uncertain significance. Last evaluated: 2020-11-12. Review status: criteria provided, single submitter. Criteria: GeneDx Variant Classification Process June 2021. Collection method: clinical testing. Allele origin: germline. Affected: yes.
Comment: Has not been previously published as pathogenic or benign to our knowledge; Missense variant in a gene in which most reported pathogenic variants are truncating/loss-of-function; In silico analysis, which includes splice predictors and evolutionary conservation, supports that this variant does not alter protein structure/function; Located in the A-band of the titin protein, where the majority of pathogenic truncating variants have been reported; Not observed in large population cohorts (Lek et al., 2016)